The following is an entry in ClinVar:

ClinVar aggregate classification (germline): Benign (0 of 4 stars; one submission).

Conditions:
A2M-related disorder. Also called: A2M-related condition.

Allele frequency attached by ClinVar (database versions not stated): 1000 Genomes Project 30x 0.01218; 1000 Genomes Project 0.01238; ESP Exome Variant Server 0.01653; TOPMed 0.01835.
gnomAD v4.1: 36,169 of 1,613,968 alleles (2.2%); highest among the groups gnomAD compares: Non-Finnish European, 2.6%; 488 homozygotes.

Submission:

PreventionGenetics, part of Exact Sciences
Classification: Benign for A2M-related condition. Last evaluated: 2019-05-21. Review status: no assertion criteria provided. Collection method: clinical testing. Allele origin: germline.
Comment: This variant is classified as benign based on ACMG/AMP sequence variant interpretation guidelines (Richards et al. 2015 PMID: 25741868, with internal and published modifications).

NM_000014.6(A2M):c.2531C>T (p.Ala844Val)

Genes: A2M (alpha-2-macroglobulin; minus strand), KLRG1 (killer cell lectin like receptor G1; plus strand). Cytogenetic location: 12p13.31.
Variant type: single nucleotide variant.
Coding change: c.2531C>T on transcript NM_000014.6 (MANE Select); coding-DNA position 2531, C replaced by T.
Protein change: p.Ala844Val; replaces alanine 844 with valine.
Molecular consequence: missense variant.
Genome position (GRCh38, 1-based): chr12:9,090,421, G>A on the plus strand (C>T on the coding strand, the complement: A2M is on the minus strand). VCF-style: chr12-9090421-G-A. GRCh37 (hg19) VCF-style: chr12-9243017-G-A.
Other names: c.2531C>T, p.Ala844Val (NM_001347423.2); c.2231C>T, p.Ala744Val (NM_001347424.2); c.2081C>T, p.Ala694Val (NM_001347425.2); short protein forms A694V, A744V, A844V.
Identifiers: ClinVar variation 3042128 (VCV003042128.2), dbSNP rs55761427, ClinGen allele CA6438361.